The following is an entry in ClinVar:

ClinVar aggregate classification (germline): Uncertain significance. Review status: criteria provided, multiple submitters, no conflicts (2 of 4 stars). 4 submissions from 4 submitters: Uncertain significance (3). 1 of the submissions does not count toward it. Last evaluated 2026-04-17.

Conditions:
Cardiovascular phenotype. Identifiers: MedGen CN230736.
Cardiomyopathy (CMYO). Also called: Cardiomyopathies. Identifiers: Orphanet 167848, MedGen C0878544, MONDO:0004994, HP:0001638. Inheritance: Various modes of inheritance.
Becker muscular dystrophy (BMD). Also called: MUSCULAR DYSTROPHY, PSEUDOHYPERTROPHIC PROGRESSIVE, BECKER TYPE; Becker Muscular Dystrophy (BMD). Identifiers: Orphanet 98895, MedGen C0917713, MONDO:0010311, OMIM 300376.
Duchenne muscular dystrophy (DMD). Also called: Duchenne Muscular Dystrophy (DMD); MUSCULAR DYSTROPHY, PSEUDOHYPERTROPHIC PROGRESSIVE, DUCHENNE TYPE. Identifiers: Orphanet 98896, MedGen C0013264, MONDO:0010679, OMIM 310200.
Dystrophin deficiency.

Allele frequency attached by ClinVar (database versions not stated): TOPMed below 0.00001; gnomAD 0.00001; gnomAD exomes 0.00001 and 0.00004.
gnomAD v4.1: 44 of 1,207,525 alleles (0.0036%); highest among the groups gnomAD compares: Non-Finnish European, 0.0047%; no homozygotes.

Submissions (4):

Ambry Genetics
Classification: Uncertain significance for Cardiovascular phenotype. Last evaluated: 2026-04-17. Review status: criteria provided, single submitter. Criteria: Ambry Variant Classification Scheme 2023. Collection method: clinical testing. Allele origin: germline.
Comment: The p.L2031P variant (also known as c.6092T>C), located in coding exon 42 of the DMD gene, results from a T to C substitution at nucleotide position 6092. The leucine at codon 2031 is replaced by proline, an amino acid with similar properties. This amino acid position is highly conserved in available vertebrate species. In addition, this alteration is predicted to be deleterious by in silico analysis. Based on data from gnomAD, the C allele has an overall frequency of 0.0005% (1/181921) total alleles studied, with 1 hemizygote(s) observed. The highest observed frequency was 0.0012% (1/81038) of European (non-Finnish) alleles. Based on the available evidence, the clinical significance of this variant remains unclear.

Labcorp Genetics (formerly Invitae), Labcorp
Classification: Uncertain significance for Duchenne muscular dystrophy. Last evaluated: 2026-01-19. Review status: criteria provided, single submitter. Criteria: Invitae Variant Classification Sherloc (09022015). Collection method: clinical testing. Allele origin: germline.
Comment: This sequence change replaces leucine, which is neutral and non-polar, with proline, which is neutral and non-polar, at codon 2031 of the DMD protein (p.Leu2031Pro). The frequency data for this variant in the population databases is considered unreliable, as metrics indicate poor data quality at this position in the gnomAD database. This variant has not been reported in the literature in individuals affected with DMD-related conditions. ClinVar contains an entry for this variant (Variation ID: 286927). Invitae Evidence Modeling of protein sequence and biophysical properties (such as structural, functional, and spatial information, amino acid conservation, physicochemical variation, residue mobility, and thermodynamic stability) indicates that this missense variant is not expected to disrupt DMD protein function with a negative predictive value of 95%. In summary, the available evidence is currently insufficient to determine the role of this variant in disease. Therefore, it has been classified as a Variant of Uncertain Significance.

Eurofins Ntd Llc (ga)
Classification: Uncertain significance. Last evaluated: 2016-03-23. Review status: criteria provided, single submitter. Criteria: EGL Classification Definitions 2015. Collection method: clinical testing. Allele origin: germline. Observed: 1 variant allele, 1 hemizygote.

Natera, Inc.
Classification: Uncertain significance for Becker muscular dystrophy; Cardiomyopathy; Duchenne muscular dystrophy; Dystrophin deficiency. Last evaluated: 2018-11-21. Review status: no assertion criteria provided. Collection method: clinical testing. Allele origin: germline. Not counted in ClinVar's aggregate classification.

NM_004006.3(DMD):c.6092T>C (p.Leu2031Pro)

Gene: DMD (dystrophin; minus strand). Cytogenetic location: Xp21.1.
Variant type: single nucleotide variant.
Coding change: c.6092T>C on transcript NM_004006.3 (MANE Select); coding-DNA position 6092, T replaced by C.
Protein change: p.Leu2031Pro; replaces leucine 2031 with proline.
Molecular consequence: missense variant.
Genome position (GRCh38, 1-based): chrX:32,310,107, A>G on the plus strand (T>C on the coding strand, the complement: DMD is on the minus strand). VCF-style: chrX-32310107-A-G. GRCh37 (hg19) VCF-style: chrX-32328224-A-G.
Other names: c.6068T>C, p.Leu2023Pro (NM_000109.4); c.6080T>C, p.Leu2027Pro (NM_004009.3); c.5723T>C, p.Leu1908Pro (NM_004010.3); c.2069T>C, p.Leu690Pro (NM_004011.4); c.2060T>C, p.Leu687Pro (NM_004012.4); short protein forms L2031P, L690P, L2027P, L1908P, L2023P, L687P.
Identifiers: ClinVar variation 286927 (VCV000286927.10), dbSNP rs886043520, ClinGen allele CA10605614.